The following is an entry in ClinVar:

NM_000093.5(COL5A1):c.1995C>T (p.Asp665=)

Gene: COL5A1 (collagen type V alpha 1 chain; plus strand). Cytogenetic location: 9q34.3.
Variant type: single nucleotide variant.
Coding change: c.1995C>T on transcript NM_000093.5 (MANE Select); coding-DNA position 1995, C replaced by T.
Protein change: p.Asp665=; no amino-acid change (aspartic acid 665 retained).
Molecular consequence: synonymous variant.
Genome position (GRCh38, 1-based): chr9:134,763,698, C>T. VCF-style: chr9-134763698-C-T. GRCh37 (hg19) VCF-style: chr9-137655544-C-T.
Other names: c.1995C>T, p.Asp665= (NM_001278074.1).
Identifiers: ClinVar variation 1580714 (VCV001580714.21), dbSNP rs765776659, ClinGen allele CA5319104.

ClinVar aggregate classification (germline): Likely benign. Review status: criteria provided, multiple submitters, no conflicts (2 of 4 stars). 2 submissions from 2 submitters: Likely benign (2). Last evaluated 2025-02-06.

Conditions:
Ehlers-Danlos syndrome, classic type, 1 (EDSCL1). Also called: EHLERS-DANLOS SYNDROME, GRAVIS TYPE; EHLERS-DANLOS SYNDROME, SEVERE CLASSIC TYPE; Ehlers-Danlos Syndrome, Classic Type, COL5A1-Related; EDS I; Ehlers-Danlos syndrome, type 1. Identifiers: MedGen C0268335, MONDO:0019567, OMIM 130000.

Allele frequency attached by ClinVar (database versions not stated): gnomAD exomes below 0.00001 and 0.00001; gnomAD 0.00001 and 0.00002; ExAC 0.00002; TOPMed 0.00003.
gnomAD v4.1: 8 of 1,613,366 alleles (0.0005%); highest among the groups gnomAD compares: East Asian, 0.0022%; no homozygotes.

Submissions (2):

Labcorp Genetics (formerly Invitae), Labcorp
Classification: Likely benign for Ehlers-Danlos syndrome, classic type, 1. Last evaluated: 2025-02-06. Review status: criteria provided, single submitter. Criteria: Invitae Variant Classification Sherloc (09022015). Collection method: clinical testing. Allele origin: germline.

CeGaT Center for Human Genetics Tuebingen
Classification: Likely benign. Last evaluated: 2025-02-01. Review status: criteria provided, single submitter. Criteria: CeGaT Center For Human Genetics Tuebingen Variant Classification Criteria Version 2. Collection method: clinical testing. Allele origin: germline. Affected: yes. Observed: 1 variant allele.
Comment: COL5A1: BP4, BP7